The following is an entry in ClinVar:

ClinVar aggregate classification (germline): Uncertain significance (1 of 4 stars; one submission).

Conditions:
Inborn genetic diseases. Identifiers: MedGen C0950123, MeSH D030342.

Allele frequency attached by ClinVar (database versions not stated): gnomAD exomes below 0.00001; TOPMed below 0.00001; gnomAD 0.00001.
gnomAD v4.1: 4 of 1,613,628 alleles (0.00025%); no homozygotes.

Submission:

Ambry Genetics
Classification: Uncertain significance for Inborn genetic diseases. Last evaluated: 2023-03-10. Review status: criteria provided, single submitter. Criteria: Ambry Variant Classification Scheme 2023. Collection method: clinical testing. Allele origin: germline.
Comment: The c.331+6T>C intronic alteration consists of a T to C substitution nucleotides after coding exon 2 in the ZEB2 gene. Based on insufficient or conflicting evidence, the clinical significance of this alteration remains unclear.

NM_014795.4(ZEB2):c.331+6T>C

Gene: ZEB2 (zinc finger E-box binding homeobox 2; minus strand). Cytogenetic location: 2q22.3.
Variant type: single nucleotide variant.
Coding change: c.331+6T>C on transcript NM_014795.4 (MANE Select); 6 bases into the intron after coding-DNA position 331, T replaced by C.
Molecular consequence: intron variant.
Genome position (GRCh38, 1-based): chr2:144,429,763, A>G on the plus strand (T>C on the coding strand, the complement: ZEB2 is on the minus strand). VCF-style: chr2-144429763-A-G. GRCh37 (hg19) VCF-style: chr2-145187330-A-G.
Other names: c.331+6T>C (NM_001171653.2).
Identifiers: ClinVar variation 2488101 (VCV002488101.2), dbSNP rs1277944914, ClinGen allele CA758227438.
Genomic context (GRCh38, chr2:144,429,763, plus strand): 5'-GTGGAACAGATTAGTTGAAGATGTGAAGATGGTACAGGAAGAGGCCAAGTGATTTTAGAC[A>G]CTTACCTGGACCATCTACAGAGGCTTGTAGAATCTCGTTGTTGTGCCAGGGGTGTTCCAC-3'